The following is an entry in ClinVar:

ClinVar aggregate classification (germline): Benign. Review status: criteria provided, multiple submitters, no conflicts (2 of 4 stars). 2 submissions from 2 submitters: Benign (2). Last evaluated 2018-01-13.

Conditions:
Occult macular dystrophy (OCMD). Also called: OMD; OCCULT MACULAR DYSTROPHY, SUSCEPTIBILITY TO. Identifiers: Orphanet 247834, MedGen C3150833, MONDO:0013316, OMIM 613587, HP:0030636.

Allele frequency attached by ClinVar (database versions not stated): ESP Exome Variant Server 0.01910; gnomAD 0.02255 and 0.02410; 1000 Genomes Project 0.02256; TOPMed 0.02412; 1000 Genomes Project 30x 0.02483; gnomAD exomes 0.00203 and 0.00521; ExAC 0.00598.
gnomAD v4.1: 6,193 of 1,601,648 alleles (0.39%); highest among the groups gnomAD compares: African/African-American, 7.9%; 226 homozygotes.

Submissions (2):

Illumina Laboratory Services, Illumina
Classification: Benign for Occult macular dystrophy. Last evaluated: 2018-01-13. Review status: criteria provided, single submitter. Criteria: ICSL Variant Classification Criteria 13 December 2019. Collection method: clinical testing. Allele origin: germline.
Comment: This variant was observed in the ICSL laboratory as part of a predisposition screen in an ostensibly healthy population. It had not been previously curated by ICSL or reported in the Human Gene Mutation Database (HGMD: prior to June 1st, 2018), and was therefore a candidate for classification through an automated scoring system. Utilizing variant allele frequency, disease prevalence and penetrance estimates, and inheritance mode, an automated score was calculated to assess if this variant is too frequent to cause the disease. Based on the score and internal cut-off values, a variant classified as benign is not then subjected to further curation. The score for this variant resulted in a classification of benign for this disease.

Breakthrough Genomics
Classification: Benign. Review status: criteria provided, single submitter. Criteria: ACMG Guidelines, 2015. Collection method: not provided. Allele origin: germline. Inheritance: Autosomal recessive inheritance. Affected: yes.

NM_178857.6(RP1L1):c.5997T>C (p.Asp1999=)

Gene: RP1L1 (RP1 like 1). Cytogenetic location: 8p23.1.
Variant type: single nucleotide variant.
Coding change: c.5997T>C on transcript NM_178857.6 (MANE Select); coding-DNA position 5997, T replaced by C.
Protein change: p.Asp1999=; no amino-acid change (aspartic acid 1999 retained).
Molecular consequence: synonymous variant.
Genome position (GRCh38, 1-based): chr8:10,608,101, A>G on the plus strand (T>C on the coding strand, the complement: RP1L1 is on the minus strand). VCF-style: chr8-10608101-A-G. GRCh37 (hg19) VCF-style: chr8-10465611-A-G.
Identifiers: ClinVar variation 361233 (VCV000361233.6), dbSNP rs78593181, ClinGen allele CA4623480.
Genomic context (GRCh38, chr8:10,608,101, plus strand): 5'-CTCTGGCTGGGCCTCCTCTTCTGCCTCTTGCATCTCCCCTTCAGCCTCTGGGGCCTCTAC[A>G]TCTTCTGACTCTGGCTGGGCCTCCCCTTCTGCCTCCTGGGTCTCCACTTCAACCTCCAGG-3'
Protein context (NP_849188.4, residues 1989-2009): AEGEAQPESE[Asp1999=]VEAPEAEGEM